The following is an entry in ClinVar:

NM_001111067.4(ACVR1):c.*762A>G

Gene: ACVR1 (activin A receptor type 1; minus strand). Cytogenetic location: 2q24.1.
Variant type: single nucleotide variant.
Coding change: c.*762A>G on transcript NM_001111067.4 (MANE Select); 762 bases downstream of the stop codon, A replaced by G.
Molecular consequence: 3 prime UTR variant.
Genome position (GRCh38, 1-based): chr2:157,736,769, T>C on the plus strand (A>G on the coding strand, the complement: ACVR1 is on the minus strand). VCF-style: chr2-157736769-T-C. GRCh37 (hg19) VCF-style: chr2-158593281-T-C.
Other names: c.*762A>G (NM_001105.5, NM_001347663.1, NM_001347664.1 and 3 more transcripts).
Identifiers: ClinVar variation 331674 (VCV000331674.5), dbSNP rs112908089, ClinGen allele CA10611069.

ClinVar aggregate classification (germline): Benign (1 of 4 stars; one submission).

Conditions:
Progressive myositis ossificans (FOP). Also called: Myositis ossificans progressiva; Progressive ossifying myositis; Fibrodysplasia Ossificans Progressiva. Identifiers: Orphanet 337, MedGen C0016037, MONDO:0007606, OMIM 135100.

Allele frequency attached by ClinVar (database versions not stated): 1000 Genomes Project 30x 0.00031; 1000 Genomes Project 0.00040; TOPMed 0.00047; gnomAD exomes 0.00049; gnomAD 0.00051 and 0.00052.
gnomAD v4.1: 171 of 344,638 alleles (0.05%); highest among the groups gnomAD compares: Non-Finnish European, 0.079%; no homozygotes.

Submission:

Illumina Laboratory Services, Illumina
Classification: Benign for Progressive myositis ossificans. Last evaluated: 2018-01-13. Review status: criteria provided, single submitter. Criteria: ICSL Variant Classification Criteria 13 December 2019. Collection method: clinical testing. Allele origin: germline.
Comment: This variant was observed in the ICSL laboratory as part of a predisposition screen in an ostensibly healthy population. It had not been previously curated by ICSL or reported in the Human Gene Mutation Database (HGMD: prior to June 1st, 2018), and was therefore a candidate for classification through an automated scoring system. Utilizing variant allele frequency, disease prevalence and penetrance estimates, and inheritance mode, an automated score was calculated to assess if this variant is too frequent to cause the disease. Based on the score and internal cut-off values, a variant classified as benign is not then subjected to further curation. The score for this variant resulted in a classification of benign for this disease.